The following is an entry in ClinVar:

NM_004092.4(ECHS1):c.332G>C (p.Cys111Ser)

Gene: ECHS1 (enoyl-CoA hydratase, short chain 1; minus strand). Cytogenetic location: 10q26.3.
Variant type: single nucleotide variant.
Coding change: c.332G>C on transcript NM_004092.4 (MANE Select); coding-DNA position 332, G replaced by C.
Protein change: p.Cys111Ser; replaces cysteine 111 with serine.
Molecular consequence: missense variant.
Genome position (GRCh38, 1-based): chr10:133,369,986, C>G on the plus strand (G>C on the coding strand, the complement: ECHS1 is on the minus strand). VCF-style: chr10-133369986-C-G. GRCh37 (hg19) VCF-style: chr10-135183490-C-G.
Other names: c.332G>C; short protein forms C111S.
Identifiers: ClinVar variation 4813214 (VCV004813214.1).
Genomic context (GRCh38, chr10:133,369,986, plus strand): 5'-ATGACTGGCTTCTTGACCTGGGTGAGGTGGTCCCAGTGCTTCAAGAACTTGCTGGAGTAA[C>G]AGTCCTGGAAACTCAGGTTCTGCATTTCCTTGATATCAGCTCCAGCTAGCAGGAGTGGAA-3'
Protein context (NP_004083.3, residues 101-121): KEMQNLSFQD[Cys111Ser]YSSKFLKHWD

ClinVar aggregate classification (germline): Uncertain significance (1 of 4 stars; one submission).

Conditions:
Mitochondrial short-chain Enoyl-Coa hydratase 1 deficiency. Also called: PxMD-ECHS1; Mitochondrial Short-Chain Enoyl-CoA Hydratase Deficiency; ECHS1 deficiency. Identifiers: Orphanet 255241, Orphanet 653880, MedGen C4225391, MONDO:0014563, OMIM 616277.

gnomAD v4.1: 1 of 1,613,888 alleles (0.000062%); highest among the groups gnomAD compares: South Asian, 0.0011%; no homozygotes.

Submission:

Pediatric Neurology Unit, Advanced Pediatric Centre, Postgraduate Institute of Medical Education and Research (PGIMER)
Classification: Uncertain significance for Mitochondrial short-chain Enoyl-Coa hydratase 1 deficiency. Review status: criteria provided, single submitter. Criteria: ACMG Guidelines, 2015. Collection method: clinical testing. Allele origin: germline. Inheritance: Autosomal recessive inheritance. Affected: yes.
Comment: A heterozygous missense variation in exon 3 of the ECHS1 gene (chr10:g.135183490C>G; c.332G>C) that results in the amino acid substitution of Serine for Cysteine at codon 111 (p.Cys111Ser) was detected. The observed variation lies in the enoyl-CoA hydratase/isomerase domain of the ECHS1 protein. The p.Cys111Ser variant has not been reported in the 1000 genomes, ExAC database. The in-silico prediction of the variant is damaging by LRT and MutationTaster2. The reference codon is conserved across species. Due to lack of literature, following ACMG criteria (PM2 and PP3) this novel ECHS1 variation is classified as a variant of uncertain significance.